The following is an entry in ClinVar:

ClinVar aggregate classification (germline): Likely benign (0 of 4 stars; one submission).

Conditions:
TDRD9-related disorder. Also called: TDRD9-related condition.

Allele frequency attached by ClinVar (database versions not stated): TOPMed below 0.00001; gnomAD 0.00001; gnomAD exomes 0.00001.
gnomAD v4.1: 24 of 1,613,054 alleles (0.0015%); highest among the groups gnomAD compares: East Asian, 0.0089%; no homozygotes.

Submission:

PreventionGenetics, part of Exact Sciences
Classification: Likely benign for TDRD9-related condition. Last evaluated: 2019-03-20. Review status: no assertion criteria provided. Collection method: clinical testing. Allele origin: germline.
Comment: This variant is classified as likely benign based on ACMG/AMP sequence variant interpretation guidelines (Richards et al. 2015 PMID: 25741868, with internal and published modifications).

NM_153046.3(TDRD9):c.2719-5T>G

Gene: TDRD9 (tudor domain containing 9; plus strand). Cytogenetic location: 14q32.33.
Variant type: single nucleotide variant.
Coding change: c.2719-5T>G on transcript NM_153046.3 (MANE Select); 5 bases into the intron before coding-DNA position 2719, T replaced by G.
Molecular consequence: intron variant.
Genome position (GRCh38, 1-based): chr14:104,025,559, T>G. VCF-style: chr14-104025559-T-G. GRCh37 (hg19) VCF-style: chr14-104491896-T-G.
Identifiers: ClinVar variation 3058205 (VCV003058205.2), dbSNP rs372923737, ClinGen allele CA267285934.